The following is an entry in ClinVar:

NM_001252024.2(TRPM1):c.1730G>A (p.Arg577Gln)

Gene: TRPM1 (transient receptor potential cation channel subfamily M member 1; minus strand). Cytogenetic location: 15q13.3.
Variant type: single nucleotide variant.
Coding change: c.1730G>A on transcript NM_001252024.2 (MANE Select); coding-DNA position 1730, G replaced by A.
Protein change: p.Arg577Gln; replaces arginine 577 with glutamine.
Molecular consequence: missense variant.
Genome position (GRCh38, 1-based): chr15:31,047,145, C>T on the plus strand (G>A on the coding strand, the complement: TRPM1 is on the minus strand). VCF-style: chr15-31047145-C-T. GRCh37 (hg19) VCF-style: chr15-31339348-C-T.
Other names: c.1781G>A, p.Arg594Gln (NM_001252020.2); c.1664G>A, p.Arg555Gln (NM_002420.6); short protein forms R577Q, R594Q, R555Q.
Identifiers: ClinVar variation 1507494 (VCV001507494.6), dbSNP rs773317800, ClinGen allele CA7452458.

ClinVar aggregate classification (germline): Uncertain significance (1 of 4 stars; one submission).

Allele frequency attached by ClinVar (database versions not stated): ExAC 0.00002; gnomAD 0.00002; gnomAD exomes 0.00002; TOPMed 0.00003.
gnomAD v4.1: 32 of 1,614,038 alleles (0.002%); highest among the groups gnomAD compares: Middle Eastern, 0.016%; no homozygotes.

Submission:

Labcorp Genetics (formerly Invitae), Labcorp
Classification: Uncertain significance. Last evaluated: 2025-12-24. Review status: criteria provided, single submitter. Criteria: Invitae Variant Classification Sherloc (09022015). Collection method: clinical testing. Allele origin: germline.
Comment: This sequence change replaces arginine, which is basic and polar, with glutamine, which is neutral and polar, at codon 555 of the TRPM1 protein (p.Arg555Gln). This variant is present in population databases (rs773317800, gnomAD 0.01%). This variant has not been reported in the literature in individuals affected with TRPM1-related conditions. ClinVar contains an entry for this variant (Variation ID: 1507494). Invitae Evidence Modeling of protein sequence and biophysical properties (such as structural, functional, and spatial information, amino acid conservation, physicochemical variation, residue mobility, and thermodynamic stability) has been performed for this missense variant. However, the output from this modeling did not meet the statistical confidence thresholds required to predict the impact of this variant on TRPM1 protein function. In summary, the available evidence is currently insufficient to determine the role of this variant in disease. Therefore, it has been classified as a Variant of Uncertain Significance.